The following is an entry in ClinVar:

NM_001033855.3(DCLRE1C):c.572G>A (p.Arg191Gln)

Gene: DCLRE1C (DNA cross-link repair 1C; minus strand). Cytogenetic location: 10p13.
Variant type: single nucleotide variant.
Coding change: c.572G>A on transcript NM_001033855.3 (MANE Select); coding-DNA position 572, G replaced by A.
Protein change: p.Arg191Gln; replaces arginine 191 with glutamine.
Molecular consequence: missense variant. On other transcripts: non-coding transcript variant (4).
Genome position (GRCh38, 1-based): chr10:14,934,486, C>T on the plus strand (G>A on the coding strand, the complement: DCLRE1C is on the minus strand). VCF-style: chr10-14934486-C-T. GRCh37 (hg19) VCF-style: chr10-14976485-C-T.
Other names: NM_001033855.3(DCLRE1C):c.572G>A; p.Arg191Gln; c.212G>A, p.Arg71Gln (NM_001033857.3, NM_001033858.3, NM_001289077.2 and 2 more transcripts); c.227G>A, p.Arg76Gln (NM_001289076.2, NM_001289078.2, NM_001350966.2 and 1 more transcripts); c.572G>A, p.Arg191Gln (NM_001350965.2); short protein forms R191Q, R76Q, R71Q.
Identifiers: ClinVar variation 945025 (VCV000945025.6), dbSNP rs528699445, ClinGen allele CA5416777.

ClinVar aggregate classification (germline): Likely benign. Review status: reviewed by expert panel (3 of 4 stars). 4 submissions from 4 submitters: Likely benign (1). 3 of the submissions do not count toward it. Last evaluated 2024-06-13.

Conditions:
Athabaskan severe combined immunodeficiency (SCIDA). Also called: Severe combined immunodeficiency, athabascan-type. Identifiers: MedGen C1865370.
Severe combined immunodeficiency due to DCLRE1C deficiency (RS-SCID). Also called: SCID, AUTOSOMAL RECESSIVE, T CELL-NEGATIVE, B CELL-NEGATIVE, NK CELL-POSITIVE, WITH SENSITIVITY TO IONIZING RADIATION. Identifiers: Orphanet 275, MedGen C1865371, MONDO:0011225, OMIM 602450.
DCLRE1C-related disorder. Also called: DCLRE1C-related condition.

Allele frequency attached by ClinVar (database versions not stated): 1000 Genomes Project 30x 0.00016; gnomAD 0.00001; ExAC 0.00003; 1000 Genomes Project 0.00020; gnomAD exomes 0.00003.
gnomAD v4.1: 34 of 1,614,216 alleles (0.0021%); highest among the groups gnomAD compares: Middle Eastern, 0.3%; 2 homozygotes.

Submissions (4):

ClinGen Severe Combined Immunodeficiency Variant Curation Expert Panel, ClinGen
Classification: Likely benign for Severe combined immunodeficiency due to DCLRE1C deficiency. Last evaluated: 2024-06-13. Review status: reviewed by expert panel. Criteria: ClinGen SCID ACMG Specifications DCLRE1C V1.0.0. Collection method: curation. Allele origin: germline. Inheritance: Autosomal recessive inheritance.
Comment: The c.572G>A (NM_001033855.3) variant in DCLRE1C is a missense variant predicted to cause the substitution of Arginine by Glutamine at amino acid 191 (p.Arg191Gln). The filtering allele frequency (the upper threshold of the 95% CI of 4/91084 alleles) of the c.572G>A variant in DCLRE1C is 0.00001425 for South Asian chromosomes by gnomAD v4, which is lower than the ClinGen SCID VCEP threshold (<0.00003266) for PM2_Supporting. However, 2 homozygous individuals have been reported in the Middle Eastern population: 18/6062 alleles, freq: 0.002969. Therefore, PM2 is not applicable, and BS2 is met at the Supporting level (BS2_Supporting). The Middle Eastern population: 18/6062 alleles, freq: 0.002969, meet the BS1 threshold (>0.00078), so BS1 is met. To our knowledge, this variant has not been reported in the literature in individuals affected with SCID/DCLRE1C-related conditions or in functional studies. In summary, this variant meets the criteria to be classified as Likely Benign for autosomal recessive severe combined immunodeficiency due to DCLRE1C deficiency based on the ACMG/AMP criteria applied, as specified by the ClinGen SCID VCEP: BS2_Supporting and BS1 (VCEP specifications version 1).

Labcorp Genetics (formerly Invitae), Labcorp
Classification: Uncertain significance for Athabaskan severe combined immunodeficiency. Last evaluated: 2023-12-11. Review status: criteria provided, single submitter. Criteria: Invitae Variant Classification Sherloc (09022015). Collection method: clinical testing. Allele origin: germline. Not counted in ClinVar's aggregate classification.
Comment: This sequence change replaces arginine, which is basic and polar, with glutamine, which is neutral and polar, at codon 191 of the DCLRE1C protein (p.Arg191Gln). This variant is present in population databases (rs528699445, gnomAD 0.006%). This variant has not been reported in the literature in individuals affected with DCLRE1C-related conditions. ClinVar contains an entry for this variant (Variation ID: 945025). Advanced modeling of protein sequence and biophysical properties (such as structural, functional, and spatial information, amino acid conservation, physicochemical variation, residue mobility, and thermodynamic stability) performed at Invitae indicates that this missense variant is not expected to disrupt DCLRE1C protein function with a negative predictive value of 80%. In summary, the available evidence is currently insufficient to determine the role of this variant in disease. Therefore, it has been classified as a Variant of Uncertain Significance.

PreventionGenetics, part of Exact Sciences
Classification: Likely benign for DCLRE1C-related condition. Last evaluated: 2024-06-07. Review status: no assertion criteria provided. Collection method: clinical testing. Allele origin: germline. Not counted in ClinVar's aggregate classification.
Comment: This variant is classified as likely benign based on ACMG/AMP sequence variant interpretation guidelines (Richards et al. 2015 PMID: 25741868, with internal and published modifications).

Natera, Inc.
Classification: Uncertain significance for Athabascan severe combined immunodeficiency. Last evaluated: 2021-01-07. Review status: no assertion criteria provided. Collection method: clinical testing. Allele origin: germline. Not counted in ClinVar's aggregate classification.